The following is an entry in ClinVar:

NM_001099289.3(SH3RF3):c.608A>G (p.Tyr203Cys)

Genes: RANBP2 (RAN binding protein 2; plus strand), SH3RF3 (SH3 domain containing ring finger 3; plus strand). Cytogenetic location: 2q13.
Variant type: single nucleotide variant.
Coding change: c.608A>G on transcript NM_001099289.3 (MANE Select); coding-DNA position 608, A replaced by G.
Protein change: p.Tyr203Cys; replaces tyrosine 203 with cysteine.
Molecular consequence: missense variant.
Genome position (GRCh38, 1-based): chr2:109,347,708, A>G. VCF-style: chr2-109347708-A-G. GRCh37 (hg19) VCF-style: chr2-109964164-A-G.
Other names: short protein forms Y203C.
Identifiers: ClinVar variation 4583331 (VCV004583331.1).

ClinVar aggregate classification (germline): Uncertain significance (1 of 4 stars; one submission).

gnomAD v4.1: 13 of 1,613,654 alleles (0.00081%); highest among the groups gnomAD compares: South Asian, 0.0011%; no homozygotes.

Submission:

Ambry Genetics
Classification: Uncertain significance. Last evaluated: 2025-10-23. Review status: criteria provided, single submitter. Criteria: Ambry Variant Classification Scheme 2023. Collection method: clinical testing. Allele origin: germline.
Comment: The c.608A>G (p.Y203C) alteration is located in exon (coding exon ) of the SH3RF3 gene. This alteration results from a A to G substitution at nucleotide position 608, causing the tyrosine (Y) at amino acid position 203 to be replaced by a cysteine (C). Based on insufficient or conflicting evidence, the clinical significance of this alteration remains unclear.